The following is an entry in ClinVar:

NC_000002.11:g.(?_26486228)_(26486367_?)del

Gene: HADHB (hydroxyacyl-CoA dehydrogenase trifunctional multienzyme complex subunit beta; plus strand). Cytogenetic location: 2p23.3.
Variant type: Deletion.
Identifiers: ClinVar variation 3247332 (VCV003247332.1).

ClinVar aggregate classification (germline): Pathogenic (1 of 4 stars; one submission).

Conditions:
Mitochondrial trifunctional protein deficiency. Identifiers: Orphanet 746, MedGen C1969443, MONDO:0012172.

Submission:

Labcorp Genetics (formerly Invitae), Labcorp
Classification: Pathogenic for Mitochondrial trifunctional protein deficiency. Last evaluated: 2023-11-05. Review status: criteria provided, single submitter. Criteria: Invitae Variant Classification Sherloc (09022015). Collection method: clinical testing. Allele origin: unknown.
Comment: This variant is a gross deletion of the genomic region encompassing exon(s) 4 of the HADHB gene. This deletion is out-of-frame, and is expected to create a premature termination codon and result in an absent or disrupted protein product. Loss-of-function variants in HADHB are known to be pathogenic (PMID: 9259266, 12754706). A similar copy number variant has been observed in individual(s) with abnormal newborn screening and cardiomyopathy (PMID: 22494545). For these reasons, this variant has been classified as Pathogenic.

Literature cited by the submitters: PubMed 9259266; PubMed 12754706; PubMed 22494545.